The following is an entry in ClinVar:

ClinVar aggregate classification (germline): Likely benign. Review status: criteria provided, multiple submitters, no conflicts (2 of 4 stars). 5 submissions from 5 submitters: Likely benign (4). 1 of the submissions does not count toward it. Last evaluated 2026-02-04.

Conditions:
LRP2-related disorder. Also called: LRP2-related condition.

Allele frequency attached by ClinVar (database versions not stated): gnomAD exomes 0.00024 and 0.00026; ExAC 0.00028; ESP Exome Variant Server 0.00046; gnomAD 0.00048 and 0.00053; TOPMed 0.00049.
gnomAD v4.1: 440 of 1,613,934 alleles (0.027%); highest among the groups gnomAD compares: African/African-American, 0.12%; no homozygotes.

Submissions (5):

Labcorp Genetics (formerly Invitae), Labcorp
Classification: Likely benign. Last evaluated: 2026-02-04. Review status: criteria provided, single submitter. Criteria: Invitae Variant Classification Sherloc (09022015). Collection method: clinical testing. Allele origin: germline.

Blueprint Genetics
Classification: Likely benign. Last evaluated: 2024-11-20. Review status: criteria provided, single submitter. Criteria: ACMG Guidelines, 2015. Collection method: clinical testing. Allele origin: germline.

CeGaT Center for Human Genetics Tuebingen
Classification: Likely benign. Last evaluated: 2024-07-01. Review status: criteria provided, single submitter. Criteria: CeGaT Center For Human Genetics Tuebingen Variant Classification Criteria Version 2. Collection method: clinical testing. Allele origin: germline. Affected: yes. Observed: 3 variant alleles.
Comment: LRP2: BP4, BP7

Breakthrough Genomics
Classification: Likely benign. Review status: criteria provided, single submitter. Criteria: ACMG Guidelines, 2015. Collection method: not provided. Allele origin: germline. Inheritance: Autosomal recessive inheritance. Affected: yes.

PreventionGenetics, part of Exact Sciences
Classification: Likely benign for LRP2-related condition. Last evaluated: 2022-02-10. Review status: no assertion criteria provided. Collection method: clinical testing. Allele origin: germline. Not counted in ClinVar's aggregate classification.
Comment: This variant is classified as likely benign based on ACMG/AMP sequence variant interpretation guidelines (Richards et al. 2015 PMID: 25741868, with internal and published modifications).

NM_004525.3(LRP2):c.12420C>T (p.Tyr4140=)

Gene: LRP2 (LDL receptor related protein 2; minus strand). Cytogenetic location: 2q31.1.
Variant type: single nucleotide variant.
Coding change: c.12420C>T on transcript NM_004525.3 (MANE Select); coding-DNA position 12420, C replaced by T.
Protein change: p.Tyr4140=; no amino-acid change (tyrosine 4140 retained).
Molecular consequence: synonymous variant.
Genome position (GRCh38, 1-based): chr2:169,152,840, G>A on the plus strand (C>T on the coding strand, the complement: LRP2 is on the minus strand). VCF-style: chr2-169152840-G-A. GRCh37 (hg19) VCF-style: chr2-170009350-G-A.
Identifiers: ClinVar variation 710896 (VCV000710896.37), dbSNP rs34663643, ClinGen allele CA1952815.